The following is an entry in ClinVar:

NM_144573.4(NEXN):c.634T>C (p.Tyr212His)

Gene: NEXN (nexilin F-actin binding protein; plus strand). Cytogenetic location: 1p31.1.
Variant type: single nucleotide variant.
Coding change: c.634T>C on transcript NM_144573.4 (MANE Select); coding-DNA position 634, T replaced by C.
Protein change: p.Tyr212His; replaces tyrosine 212 with histidine.
Molecular consequence: missense variant.
Genome position (GRCh38, 1-based): chr1:77,926,558, T>C. VCF-style: chr1-77926558-T-C. GRCh37 (hg19) VCF-style: chr1-78392243-T-C.
Other names: c.442T>C, p.Tyr148His (NM_001172309.2); short protein forms Y148H, Y212H.
Identifiers: ClinVar variation 1753004 (VCV001753004.2), dbSNP rs769549962, ClinGen allele CA340872953.

ClinVar aggregate classification (germline): Uncertain significance (1 of 4 stars; one submission).

Conditions:
Cardiovascular phenotype. Identifiers: MedGen CN230736.

gnomAD v4.1: 2 of 1,613,788 alleles (0.00012%); highest among the groups gnomAD compares: African/African-American, 0.0013%; no homozygotes.

Submission:

Ambry Genetics
Classification: Uncertain significance for Cardiovascular phenotype. Last evaluated: 2022-05-18. Review status: criteria provided, single submitter. Criteria: Ambry Variant Classification Scheme 2023. Collection method: clinical testing. Allele origin: germline.
Comment: The p.Y212H variant (also known as c.634T>C), located in coding exon 6 of the NEXN gene, results from a T to C substitution at nucleotide position 634. The tyrosine at codon 212 is replaced by histidine, an amino acid with similar properties. This amino acid position is conserved. In addition, this alteration is predicted to be tolerated by in silico analysis. Since supporting evidence is limited at this time, the clinical significance of this alteration remains unclear.